The following is an entry in ClinVar:

ClinVar aggregate classification (germline): Uncertain significance (1 of 4 stars; one submission).

Allele frequency attached by ClinVar (database versions not stated): ExAC 0.00001; gnomAD 0.00001.
gnomAD v4.1: 9 of 1,614,122 alleles (0.00056%); highest among the groups gnomAD compares: Middle Eastern, 0.016%; no homozygotes.

Submission:

Labcorp Genetics (formerly Invitae), Labcorp
Classification: Uncertain significance. Last evaluated: 2022-05-03. Review status: criteria provided, single submitter. Criteria: Invitae Variant Classification Sherloc (09022015). Collection method: clinical testing. Allele origin: germline.
Comment: In summary, the available evidence is currently insufficient to determine the role of this variant in disease. Therefore, it has been classified as a Variant of Uncertain Significance. Algorithms developed to predict the effect of missense changes on protein structure and function (SIFT, PolyPhen-2, Align-GVGD) all suggest that this variant is likely to be tolerated. This variant has not been reported in the literature in individuals affected with FAT2-related conditions. This variant is present in population databases (rs769860014, gnomAD 0.003%). This sequence change replaces serine, which is neutral and polar, with glycine, which is neutral and non-polar, at codon 2510 of the FAT2 protein (p.Ser2510Gly).

NM_001447.3(FAT2):c.7528A>G (p.Ser2510Gly)

Genes: FAT2 (FAT atypical cadherin 2; minus strand), SLC36A1 (solute carrier family 36 member 1; plus strand). Cytogenetic location: 5q33.1.
Variant type: single nucleotide variant.
Coding change: c.7528A>G on transcript NM_001447.3 (MANE Select); coding-DNA position 7528, A replaced by G.
Protein change: p.Ser2510Gly; replaces serine 2510 with glycine.
Molecular consequence: missense variant.
Genome position (GRCh38, 1-based): chr5:151,543,599, T>C on the plus strand (A>G on the coding strand, the complement: FAT2 is on the minus strand). VCF-style: chr5-151543599-T-C. GRCh37 (hg19) VCF-style: chr5-150923160-T-C.
Other names: short protein forms S2510G.
Identifiers: ClinVar variation 1925866 (VCV001925866.5), dbSNP rs769860014, ClinGen allele CA3520942.